The following is an entry in ClinVar:

NM_001142800.2(EYS):c.3903del (p.Lys1301fs)

Gene: EYS (EGF-like photoreceptor maintenance factor; minus strand). Cytogenetic location: 6q12.
Variant type: Deletion.
Coding change: c.3903del on transcript NM_001142800.2 (MANE Select); coding-DNA position 3903, one base deleted (G; older notation c.3903delG).
Protein change: p.Lys1301fs; shifts the reading frame from lysine 1301.
Molecular consequence: frameshift variant.
Genome position (GRCh38, 1-based): chr6:64,591,964, C deleted on the plus strand (G on the coding strand, the reverse complement: EYS is on the minus strand). VCF-style (leftmost placement, unchanged base first): chr6-64591963-GC-G. GRCh37 (hg19) VCF-style: chr6-65301856-GC-G.
Other names: c.3903del, p.Lys1301fs (NM_001292009.2); short protein forms K1301fs.
Identifiers: ClinVar variation 2070687 (VCV002070687.4), dbSNP rs2533155824, ClinGen allele CA2580075921.

ClinVar aggregate classification (germline): Pathogenic (1 of 4 stars; one submission).

Submission:

Labcorp Genetics (formerly Invitae), Labcorp
Classification: Pathogenic. Last evaluated: 2024-10-25. Review status: criteria provided, single submitter. Criteria: Invitae Variant Classification Sherloc (09022015). Collection method: clinical testing. Allele origin: germline.
Comment: This sequence change creates a premature translational stop signal (p.Lys1301Asnfs*13) in the EYS gene. It is expected to result in an absent or disrupted protein product. Loss-of-function variants in EYS are known to be pathogenic (PMID: 18836446, 20333770). This variant is not present in population databases (gnomAD no frequency). This variant has not been reported in the literature in individuals affected with EYS-related conditions. ClinVar contains an entry for this variant (Variation ID: 2070687). For these reasons, this variant has been classified as Pathogenic.

Literature cited by the submitters: PubMed 18836446; PubMed 20333770.